The following is an entry in ClinVar:

NM_000053.4(ATP7B):c.1460C>A (p.Pro487Gln)

Gene: ATP7B (ATPase copper transporting beta; minus strand). Cytogenetic location: 13q14.3.
Variant type: single nucleotide variant.
Coding change: c.1460C>A on transcript NM_000053.4 (MANE Select); coding-DNA position 1460, C replaced by A.
Protein change: p.Pro487Gln; replaces proline 487 with glutamine.
Molecular consequence: missense variant. On other transcripts: intron variant (1).
Genome position (GRCh38, 1-based): chr13:51,970,575, G>T on the plus strand (C>A on the coding strand, the complement: ATP7B is on the minus strand). VCF-style: chr13-51970575-G-T. GRCh37 (hg19) VCF-style: chr13-52544711-G-T.
Other names: c.1460C>A, p.Pro487Gln (NM_001406515.1, NM_001406516.1, NM_001406519.1 and 28 more transcripts); c.1364C>A, p.Pro455Gln (NM_001406517.1, NM_001406518.1, NM_001406530.1 and 3 more transcripts); c.1285+3360C>A (NM_001406548.1); c.1031C>A, p.Pro344Gln (NM_001406539.1); c.1127C>A, p.Pro376Gln (NM_001243182.2); short protein forms P344Q, P376Q, P455Q, P487Q.
Identifiers: ClinVar variation 2627475 (VCV002627475.1), dbSNP rs767312670, ClinGen allele CA388035565.

ClinVar aggregate classification (germline): Uncertain significance (1 of 4 stars; one submission).

Conditions:
Wilson disease (WND). Also called: Wilson's disease. Identifiers: Orphanet 905, MedGen C0019202, MONDO:0010200, OMIM 277900. Disease mechanism: loss of function.

gnomAD v4.1: 1 of 1,614,084 alleles (0.000062%); no homozygotes.

Submission:

Neuberg Centre For Genomic Medicine, NCGM
Classification: Uncertain significance for Wilson disease. Review status: criteria provided, single submitter. Criteria: ACMG Guidelines, 2015. Collection method: clinical testing. Allele origin: germline. Inheritance: Autosomal recessive inheritance. Affected: yes.
Comment: The missense variant p.P487Q in ATP7B (NM_000053.4) has not been reported previously as a pathogenic variant nor as a benign variant, to our knowledge. The p.P487Q variant is observed in 1/30,602 (0.0033%) alleles from individuals of South Asian background in gnomAD Exomes and is novel (not in any individuals) in 1000 Genomes. There is a moderate physicochemical difference between proline and glutamine. The p.P487Q missense variant is predicted to be damaging by both SIFT and PolyPhen2. The nucleotide c.1460 in ATP7B is predicted conserved by GERP++ and PhyloP across 100 vertebrates. For these reasons, this variant has been classified as Uncertain Significance.